The following is an entry in ClinVar:

NM_001291415.2(KDM6A):c.1333T>C (p.Cys445Arg)

Gene: KDM6A (lysine demethylase 6A; plus strand). Cytogenetic location: Xp11.3.
Variant type: single nucleotide variant.
Coding change: c.1333T>C on transcript NM_001291415.2 (MANE Select); coding-DNA position 1333, T replaced by C.
Protein change: p.Cys445Arg; replaces cysteine 445 with arginine.
Molecular consequence: missense variant. On other transcripts: non-coding transcript variant (1), intron variant (8).
Genome position (GRCh38, 1-based): chrX:45,060,612, T>C. VCF-style: chrX-45060612-T-C. GRCh37 (hg19) VCF-style: chrX-44919857-T-C.
Other names: c.1198T>C, p.Cys400Arg (NM_001291416.2, NM_001419811.1); c.1333T>C, p.Cys445Arg (NM_001419809.1, NM_001419810.1, NM_001419813.1); c.1329+456T>C (NM_001419812.1, NM_021140.4, NM_001419814.1 and 1 more transcripts); c.1195-712T>C (NM_001291417.2, NM_001419815.1, NM_001291418.2); c.442-712T>C (NM_001291421.2); short protein forms C400R, C445R.
Identifiers: ClinVar variation 3027079 (VCV003027079.22), dbSNP rs1258374617, ClinGen allele CA412783643.

ClinVar aggregate classification (germline): Likely benign (1 of 4 stars; one submission).

Allele frequency attached by ClinVar (database versions not stated): TOPMed below 0.00001; gnomAD exomes 0.00001; gnomAD 0.00002.
gnomAD v4.1: 13 of 1,058,489 alleles (0.0012%); highest among the groups gnomAD compares: Admixed American, 0.0057%; no homozygotes.

Submission:

CeGaT Center for Human Genetics Tuebingen
Classification: Likely benign. Last evaluated: 2024-01-01. Review status: criteria provided, single submitter. Criteria: CeGaT Center For Human Genetics Tuebingen Variant Classification Criteria Version 2. Collection method: clinical testing. Allele origin: germline. Affected: yes. Observed: 1 variant allele.
Comment: KDM6A: BP4